The following is an entry in ClinVar:

NM_000186.4(CFH):c.3310+144C>T

Gene: CFH (complement factor H; plus strand). Cytogenetic location: 1q31.3.
Variant type: single nucleotide variant.
Coding change: c.3310+144C>T on transcript NM_000186.4 (MANE Select); 144 bases into the intron after coding-DNA position 3310, C replaced by T.
Molecular consequence: intron variant.
Genome position (GRCh38, 1-based): chr1:196,743,772, C>T. VCF-style: chr1-196743772-C-T. GRCh37 (hg19) VCF-style: chr1-196712902-C-T.
Identifiers: ClinVar variation 1250753 (VCV001250753.3), dbSNP rs35352142, ClinGen allele CA16075583.
Genomic context (GRCh38, chr1:196,743,772, plus strand): 5'-TATTAATAGATTTTTCAAATGCAAATAAAATGACTGATGGTGCTTAAAATTCAATTCTTC[C>T]TGTGAACAGAACACAAGTAATAGGGTATATTATTTTCCAGAAAGATTCGACCAAATTGAG-3'

ClinVar aggregate classification (germline): Benign. Review status: criteria provided, multiple submitters, no conflicts (2 of 4 stars). 2 submissions from 2 submitters: Benign (2). Last evaluated 2025-10-02.

Conditions:
Age related macular degeneration 4. Identifiers: MedGen C1853147, MONDO:0012540, OMIM 610698.
Atypical hemolytic-uremic syndrome. Identifiers: Orphanet 2134, MedGen C2931788, MONDO:0016244.
Factor H deficiency (CFHD). Also called: CFH DEFICIENCY; COMPLEMENT FACTOR H DEFICIENCY. Identifiers: Orphanet 200421, MedGen C0398777, MONDO:0012350, OMIM 609814.
Basal laminar drusen. Also called: DRUSEN OF BRUCH MEMBRANE; DRUSEN, CUTICULAR; DRUSEN, EARLY ADULT-ONSET, GROUPED. Identifiers: Orphanet 75376, MedGen C0730295, MONDO:0007472, OMIM 126700.

Allele frequency attached by ClinVar (database versions not stated): gnomAD 0.14083 and 0.14555; gnomAD exomes 0.16646; 1000 Genomes Project 0.19209; 1000 Genomes Project 30x 0.19347.
gnomAD v4.1: 196,221 of 1,197,716 alleles (16%); highest among the groups gnomAD compares: East Asian, 44%; 7,784 homozygotes.

Submissions (2):

Genomenon, Inc
Classification: Benign for Basal laminar drusen; Age related macular degeneration 4; Atypical hemolytic-uremic syndrome; Factor H deficiency. Last evaluated: 2025-10-02. Review status: criteria provided, single submitter. Criteria: Genomenon Sequence Variant Interpretation Standards - Updated. Collection method: curation. Allele origin: germline. Affected: no.
Comment: CFH c.3310+144C>T is a deep intronic variant located in intron 20. This variant is present at high allele frequency in population databases. In conclusion, we classify CFH c.3310+144C>T as a benign variant.

GeneDx
Classification: Benign. Last evaluated: 2021-05-10. Review status: criteria provided, single submitter. Criteria: GeneDx Variant Classification Process June 2021. Collection method: clinical testing. Allele origin: germline. Affected: yes.